The following is an entry in ClinVar:

NM_000052.7(ATP7A):c.2774C>T (p.Thr925Ile)

Gene: ATP7A (ATPase copper transporting alpha; plus strand). Cytogenetic location: Xq21.1.
Variant type: single nucleotide variant.
Coding change: c.2774C>T on transcript NM_000052.7 (MANE Select); coding-DNA position 2774, C replaced by T.
Protein change: p.Thr925Ile; replaces threonine 925 with isoleucine.
Molecular consequence: missense variant.
Genome position (GRCh38, 1-based): chrX:78,020,391, C>T. VCF-style: chrX-78020391-C-T. GRCh37 (hg19) VCF-style: chrX-77275888-C-T.
Other names: c.2540C>T, p.Thr847Ile (NM_001282224.2); c.2774C>T (NM_000052.4); short protein forms T925I, T847I.
Identifiers: ClinVar variation 951559 (VCV000951559.11), dbSNP rs369335432, ClinGen allele CA10459319.
Genomic context (GRCh38, chrX:78,020,391, plus strand): 5'-CACATGTTGGAGCAGACACAACCCTTTCTCAAATTGTCAAACTTGTGGAAGAGGCACAAA[C>T]ATCAAAGGTAACTTAACTCCCTAGGAGAAACACAAACTATTTTCTTTAAAGCCTTCTCAG-3'
Protein context (NP_000043.4, residues 915-935): QIVKLVEEAQ[Thr925Ile]SKAPIQQFAD

ClinVar aggregate classification (germline): Conflicting classifications of pathogenicity. Review status: criteria provided, conflicting classifications (1 of 4 stars). 2 submissions from 2 submitters: Uncertain significance (1); Likely benign (1). Last evaluated 2024-08-05.

Conditions:
Menkes kinky-hair syndrome (MNK). Also called: Menkes Disease; Copper transport disease; Classic Menkes Disease. Identifiers: Orphanet 565, MedGen C0022716, MONDO:0010651, OMIM 309400.
Cutis laxa, X-linked (OHS). Also called: EDS IX; Occipital horn syndrome. Identifiers: Orphanet 198, MedGen C0268353, MONDO:0010572, OMIM 304150.
X-linked distal spinal muscular atrophy type 3. Also called: ATP7A-Related Distal Motor Neuropathy; NEURONOPATHY, DISTAL HEREDITARY MOTOR, X-LINKED; NEUROPATHY, DISTAL HEREDITARY MOTOR, X-LINKED; SPINAL MUSCULAR ATROPHY, DISTAL, X-LINKED RECESSIVE. Identifiers: Orphanet 139557, MedGen C1845359, MONDO:0010338, OMIM 300489.

Allele frequency attached by ClinVar (database versions not stated): gnomAD exomes 0.00001 and below 0.00001; ESP Exome Variant Server 0.00009; TOPMed below 0.00001; ExAC 0.00001; gnomAD 0.00001.
gnomAD v4.1: 5 of 1,209,277 alleles (0.00041%); highest among the groups gnomAD compares: Non-Finnish European, 0.00056%; no homozygotes.

Submissions (2):

GeneDx
Classification: Uncertain significance. Last evaluated: 2024-08-05. Review status: criteria provided, single submitter. Criteria: GeneDx Variant Classification Process June 2021. Collection method: clinical testing. Allele origin: germline. Affected: yes.
Comment: Not observed at significant frequency in large population cohorts (gnomAD); In silico analysis supports that this missense variant has a deleterious effect on protein structure/function; Has not been previously published as pathogenic or benign to our knowledge

Labcorp Genetics (formerly Invitae), Labcorp
Classification: Likely benign for X-linked distal spinal muscular atrophy type 3; Cutis laxa, X-linked; Menkes kinky-hair syndrome. Last evaluated: 2023-05-19. Review status: criteria provided, single submitter. Criteria: Invitae Variant Classification Sherloc (09022015). Collection method: clinical testing. Allele origin: germline.